The following is an entry in ClinVar:

ClinVar aggregate classification (germline): Uncertain significance (1 of 4 stars; one submission).

Allele frequency attached by ClinVar (database versions not stated): gnomAD exomes below 0.00001; TOPMed below 0.00001; ExAC 0.00002.
gnomAD v4.1: 1 of 1,614,106 alleles (0.000062%); highest among the groups gnomAD compares: East Asian, 0.0022%; no homozygotes.

Submission:

Labcorp Genetics (formerly Invitae), Labcorp
Classification: Uncertain significance. Last evaluated: 2024-10-09. Review status: criteria provided, single submitter. Criteria: Invitae Variant Classification Sherloc (09022015). Collection method: clinical testing. Allele origin: germline.
Comment: This sequence change replaces aspartic acid, which is acidic and polar, with glutamic acid, which is acidic and polar, at codon 852 of the KMT2A protein (p.Asp852Glu). This variant is present in population databases (rs782509176, gnomAD 0.02%). This variant has not been reported in the literature in individuals affected with KMT2A-related conditions. Invitae Evidence Modeling of protein sequence and biophysical properties (such as structural, functional, and spatial information, amino acid conservation, physicochemical variation, residue mobility, and thermodynamic stability) indicates that this missense variant is not expected to disrupt KMT2A protein function with a negative predictive value of 95%. In summary, the available evidence is currently insufficient to determine the role of this variant in disease. Therefore, it has been classified as a Variant of Uncertain Significance.

NM_001197104.2(KMT2A):c.2556C>G (p.Asp852Glu)

Gene: KMT2A (lysine methyltransferase 2A; plus strand). Cytogenetic location: 11q23.3.
Variant type: single nucleotide variant.
Coding change: c.2556C>G on transcript NM_001197104.2 (MANE Select); coding-DNA position 2556, C replaced by G.
Protein change: p.Asp852Glu; replaces aspartic acid 852 with glutamic acid.
Molecular consequence: missense variant.
Genome position (GRCh38, 1-based): chr11:118,473,715, C>G. VCF-style: chr11-118473715-C-G. GRCh37 (hg19) VCF-style: chr11-118344430-C-G.
Other names: c.2655C>G, p.Asp885Glu (NM_001412597.1); c.2556C>G, p.Asp852Glu (NM_005933.4); short protein forms D885E, D852E.
Identifiers: ClinVar variation 2789640 (VCV002789640.3), dbSNP rs782509176, ClinGen allele CA6303526.